The following is an entry in ClinVar:

ClinVar aggregate classification (germline): Uncertain significance (1 of 4 stars; one submission).

Allele frequency attached by ClinVar (database versions not stated): gnomAD exomes below 0.00001; TOPMed below 0.00001.
gnomAD v4.1: 1 of 1,613,930 alleles (0.000062%); highest among the groups gnomAD compares: Non-Finnish European, 0.000085%; no homozygotes.

Submission:

Labcorp Genetics (formerly Invitae), Labcorp
Classification: Uncertain significance. Last evaluated: 2022-08-17. Review status: criteria provided, single submitter. Criteria: Invitae Variant Classification Sherloc (09022015). Collection method: clinical testing. Allele origin: germline.
Comment: This sequence change replaces glycine, which is neutral and non-polar, with aspartic acid, which is acidic and polar, at codon 1020 of the ADAMTS18 protein (p.Gly1020Asp). This variant is not present in population databases (gnomAD no frequency). This variant has not been reported in the literature in individuals affected with ADAMTS18-related conditions. Algorithms developed to predict the effect of missense changes on protein structure and function are either unavailable or do not agree on the potential impact of this missense change (SIFT: "Not Available"; PolyPhen-2: "Benign"; Align-GVGD: "Not Available"). In summary, the available evidence is currently insufficient to determine the role of this variant in disease. Therefore, it has been classified as a Variant of Uncertain Significance.

NM_199355.4(ADAMTS18):c.3059G>A (p.Gly1020Asp)

Gene: ADAMTS18 (ADAM metallopeptidase with thrombospondin type 1 motif 18; minus strand). Cytogenetic location: 16q23.1.
Variant type: single nucleotide variant.
Coding change: c.3059G>A on transcript NM_199355.4 (MANE Select); coding-DNA position 3059, G replaced by A.
Protein change: p.Gly1020Asp; replaces glycine 1020 with aspartic acid.
Molecular consequence: missense variant.
Genome position (GRCh38, 1-based): chr16:77,293,206, C>T on the plus strand (G>A on the coding strand, the complement: ADAMTS18 is on the minus strand). VCF-style: chr16-77293206-C-T. GRCh37 (hg19) VCF-style: chr16-77327103-C-T.
Other names: c.2543G>A, p.Gly848Asp (NM_001326358.2); short protein forms G1020D, G848D.
Identifiers: ClinVar variation 1716607 (VCV001716607.5), dbSNP rs1457258984, ClinGen allele CA396832939.
Genomic context (GRCh38, chr16:77,293,206, plus strand): 5'-TGCAGCTCAGGTCTGGGGAGACTGGTACACTGGCTCTCGGGGAGGGTTTCTGCGGCAGAG[C>T]CCTTGCAGAGGAGTTCACGCTTCCTCACCCCTCGTCCACAGGTCTTGGAACACTTGAGAA-3'
Protein context (NP_955387.1, residues 1010-1030): GVRKRELLCK[Gly1020Asp]SAAETLPESQ